The following is an entry in ClinVar:

ClinVar aggregate classification (germline): Uncertain significance. Review status: criteria provided, multiple submitters, no conflicts (2 of 4 stars). 3 submissions from 3 submitters: Uncertain significance (3). Last evaluated 2023-04-11.

Conditions:
Intellectual disability-microcephaly-strabismus-behavioral abnormalities syndrome. Also called: White-Sutton Syndrome. Identifiers: Orphanet 468678, MedGen C4225351, MONDO:0014606, OMIM 616364.
Inborn genetic diseases. Identifiers: MedGen C0950123, MeSH D030342.

Allele frequency attached by ClinVar (database versions not stated): gnomAD exomes 0.00001 and 0.00002; ExAC 0.00003; ESP Exome Variant Server 0.00008; TOPMed 0.00012; gnomAD 0.00013 and 0.00015; 1000 Genomes Project 0.00040; 1000 Genomes Project 30x 0.00047.
gnomAD v4.1: 44 of 1,613,334 alleles (0.0027%); highest among the groups gnomAD compares: African/African-American, 0.037%; no homozygotes.

Submissions (3):

Genome-Nilou Lab
Classification: Uncertain significance for Intellectual disability-microcephaly-strabismus-behavioral abnormalities syndrome. Last evaluated: 2023-04-11. Review status: criteria provided, single submitter. Criteria: ACMG Guidelines, 2015. Collection method: clinical testing. Allele origin: germline. Affected: no.

Revvity Omics, Revvity
Classification: Uncertain significance for Intellectual disability-microcephaly-strabismus-behavioral abnormalities syndrome. Last evaluated: 2021-05-07. Review status: criteria provided, single submitter. Criteria: ACMG Guidelines, 2015. Collection method: clinical testing. Allele origin: germline.

Ambry Genetics
Classification: Uncertain significance for Hereditary disease. Last evaluated: 2017-04-06. Review status: criteria provided, single submitter. Criteria: ambry_reporting_categories_2017. Collection method: clinical testing. Allele origin: germline. Affected: yes. Observed: 1 heterozygote. Segregation with disease observed.
Comment: Lines of evidence used in support of classification: POSITIVE: Relevant Alteration(s) Detected

Literature cited by the submitters: PubMed 24267886 (cited by Ambry Genetics); PubMed 22542183 (cited by Ambry Genetics); PubMed 22495311 (cited by Ambry Genetics); PubMed 24463507 (cited by Ambry Genetics); PubMed 24896178 (cited by Ambry Genetics); PubMed 23375656 (cited by Ambry Genetics); PubMed 25533962 (cited by Ambry Genetics); PubMed 25694107 (cited by Ambry Genetics); PubMed 26739615 (cited by Ambry Genetics); PubMed 26942287 (cited by Ambry Genetics); PubMed 27148570 (cited by Ambry Genetics); PubMed 9862965 (cited by Ambry Genetics); PubMed 28480548 (cited by Ambry Genetics).

NM_015100.4(POGZ):c.1850G>A (p.Arg617Gln)

Gene: POGZ (pogo transposable element derived with ZNF domain; minus strand). Cytogenetic location: 1q21.3.
Variant type: single nucleotide variant.
Coding change: c.1850G>A on transcript NM_015100.4 (MANE Select); coding-DNA position 1850, G replaced by A.
Protein change: p.Arg617Gln; replaces arginine 617 with glutamine.
Molecular consequence: missense variant.
Genome position (GRCh38, 1-based): chr1:151,411,701, C>T on the plus strand (G>A on the coding strand, the complement: POGZ is on the minus strand). VCF-style: chr1-151411701-C-T. GRCh37 (hg19) VCF-style: chr1-151384177-C-T.
Other names: c.1823G>A, p.Arg608Gln (NM_001194937.2); c.1664G>A, p.Arg555Gln (NM_001194938.2); c.1565G>A, p.Arg522Gln (NM_145796.4); c.1691G>A, p.Arg564Gln (NM_207171.2); short protein forms R617Q, R608Q, R522Q, R555Q, R564Q.
Identifiers: ClinVar variation 521685 (VCV000521685.7), dbSNP rs72996036, ClinGen allele CA1091325.
Genomic context (GRCh38, chr1:151,411,701, plus strand): 5'-TGCTGTTGGAATGCATTGCCATTTTTGAAGACCTTCAGGCAATAAGGGCAGAGCAGATGC[C>T]GGGTATCCTCATGGATCATCCGAAAATGGACATCTACCTCAGAGTAGAGTGAGGAGCGAT-3'
Protein context (NP_055915.2, residues 607-627): VHFRMIHEDT[Arg617Gln]HLLCPYCLKV